The following is an entry in ClinVar:

ClinVar aggregate classification (germline): Benign/Likely benign. Review status: criteria provided, multiple submitters, no conflicts (2 of 4 stars). 2 submissions from 2 submitters: Benign (1); Likely benign (1). Last evaluated 2021-07-20.

Conditions:
Diamond-Blackfan anemia 11 (DBA11). Also called: RPL26-Related Diamond-Blackfan Anemia. Identifiers: Orphanet 124, MedGen C3554042, MONDO:0013964, OMIM 614900.

Submissions (2):

Fulgent Genetics
Classification: Benign for Diamond-Blackfan anemia 11. Last evaluated: 2021-07-20. Review status: criteria provided, single submitter. Criteria: ACMG Guidelines, 2015. Collection method: clinical testing. Allele origin: unknown.

GeneDx
Classification: Likely benign. Last evaluated: 2018-01-08. Review status: criteria provided, single submitter. Criteria: GeneDx Variant Classification (06012015). Collection method: clinical testing. Allele origin: germline. Affected: yes.
Comment: This variant is considered likely benign or benign based on one or more of the following criteria: it is a conservative change, it occurs at a poorly conserved position in the protein, it is predicted to be benign by multiple in silico algorithms, and/or has population frequency not consistent with disease.

NM_000987.5(RPL26):c.-5-16_-5-15del

Gene: RPL26 (ribosomal protein L26; minus strand). Cytogenetic location: 17p13.1.
Variant type: Deletion.
Coding change: c.-5-16_-5-15del on transcript NM_000987.5 (MANE Select); 16 bases into the intron before 5 bases upstream of the start codon through 15 bases into the intron before 5 bases upstream of the start codon, 2 bases deleted (TT; older notation c.-5-16_-5-15delTT).
Molecular consequence: intron variant.
Genome position (GRCh38, 1-based): chr17:8,382,330-8,382,331, AA deleted on the plus strand (TT on the coding strand, the reverse complement: RPL26 is on the minus strand); deleting any 2 consecutive bases within chr17:8,382,330-8,382,334 gives the same sequence; the c. name uses the placement nearest the transcript's 3' end. VCF-style (leftmost placement, unchanged base first): chr17-8382329-TAA-T. GRCh37 (hg19) VCF-style: chr17-8285647-TAA-T.
Other names: c.-5-16_-5-15del (NM_001315531.2, NM_001315530.2); c.-5-16_-5-15delTT (NM_000987.3).
Identifiers: ClinVar variation 514617 (VCV000514617.2), dbSNP rs533883480, ClinGen allele CA8376159.